The following is an entry in ClinVar:

NM_001371727.1(GABRB2):c.747A>T (p.Thr249=)

Gene: GABRB2 (gamma-aminobutyric acid type A receptor subunit beta2; minus strand). Cytogenetic location: 5q34.
Variant type: single nucleotide variant.
Coding change: c.747A>T on transcript NM_001371727.1 (MANE Select); coding-DNA position 747, A replaced by T.
Protein change: p.Thr249=; no amino-acid change (threonine 249 retained).
Molecular consequence: synonymous variant.
Genome position (GRCh38, 1-based): chr5:161,334,837, T>A on the plus strand (A>T on the coding strand, the complement: GABRB2 is on the minus strand). VCF-style: chr5-161334837-T-A. GRCh37 (hg19) VCF-style: chr5-160761844-T-A.
Other names: c.747A>T, p.Thr249= (NM_000813.3, NM_021911.3).
Identifiers: ClinVar variation 383407 (VCV000383407.40), dbSNP rs145570974, ClinGen allele CA3543483.

ClinVar aggregate classification (germline): Benign/Likely benign. Review status: criteria provided, multiple submitters, no conflicts (2 of 4 stars). 6 submissions from 6 submitters: Benign (2); Likely benign (3). 1 of the submissions does not count toward it. Last evaluated 2026-08-01.

Conditions:
Intellectual disability. Also called: intellectual disabilities; Intellectual functioning disability; Intellectual developmental disorder. Identifiers: MedGen C3714756, MeSH D008607, MONDO:0001071, HP:0001249.
GABRB2-related disorder. Also called: GABRB2-related condition.

Allele frequency attached by ClinVar (database versions not stated): 1000 Genomes Project 30x 0.00047; 1000 Genomes Project 0.00060; gnomAD exomes 0.00088 and 0.00116; gnomAD 0.00094 and 0.00103; ExAC 0.00102; ESP Exome Variant Server 0.00115; TOPMed 0.00125.
gnomAD v4.1: 1,837 of 1,614,034 alleles (0.11%); highest among the groups gnomAD compares: Admixed American, 0.19%; 2 homozygotes.

Submissions (6):

CeGaT Center for Human Genetics Tuebingen
Classification: Likely benign. Last evaluated: 2026-08-01. Review status: criteria provided, single submitter. Criteria: CeGaT Center For Human Genetics Tuebingen Variant Classification Criteria Version 2. Collection method: clinical testing. Allele origin: germline. Affected: yes. Observed: 5 variant alleles.
Comment: GABRB2: BP4, BP7, BS1

Labcorp Genetics (formerly Invitae), Labcorp
Classification: Likely benign for Intellectual disability. Last evaluated: 2026-01-19. Review status: criteria provided, single submitter. Criteria: Invitae Variant Classification Sherloc (09022015). Collection method: clinical testing. Allele origin: germline.

Blueprint Genetics
Classification: Likely benign. Last evaluated: 2024-11-18. Review status: criteria provided, single submitter. Criteria: ACMG Guidelines, 2015. Collection method: clinical testing. Allele origin: germline.

GeneDx
Classification: Benign. Last evaluated: 2019-11-21. Review status: criteria provided, single submitter. Criteria: GeneDx Variant Classification Process June 2021. Collection method: clinical testing. Allele origin: germline. Affected: yes.

Athena Diagnostics
Classification: Benign. Last evaluated: 2018-10-24. Review status: criteria provided, single submitter. Criteria: Athena Diagnostics Criteria. Collection method: clinical testing. Allele origin: germline.

PreventionGenetics, part of Exact Sciences
Classification: Benign for GABRB2-related condition. Last evaluated: 2021-02-11. Review status: no assertion criteria provided. Collection method: clinical testing. Allele origin: germline. Not counted in ClinVar's aggregate classification.
Comment: This variant is classified as benign based on ACMG/AMP sequence variant interpretation guidelines (Richards et al. 2015 PMID: 25741868, with internal and published modifications).